The following is an entry in ClinVar:

NM_001324418.2(ADAM22):c.434C>T (p.Pro145Leu)

Gene: ADAM22 (ADAM metallopeptidase domain 22; plus strand). Cytogenetic location: 7q21.12.
Variant type: single nucleotide variant.
Coding change: c.434C>T on transcript NM_001324418.2 (MANE Select); coding-DNA position 434, C replaced by T.
Protein change: p.Pro145Leu; replaces proline 145 with leucine.
Molecular consequence: missense variant.
Genome position (GRCh38, 1-based): chr7:88,108,219, C>T. VCF-style: chr7-88108219-C-T. GRCh37 (hg19) VCF-style: chr7-87737534-C-T.
Other names: c.431C>T, p.Pro144Leu (NM_001324417.2, NM_001324419.2, NM_001391978.1 and 2 more transcripts); c.434C>T, p.Pro145Leu (NM_001324420.2, NM_001324421.2, NM_001391976.1 and 6 more transcripts); c.485C>T, p.Pro162Leu (NM_001391975.1, NM_001391980.1, NM_001391982.1); short protein forms P144L, P145L, P162L.
Identifiers: ClinVar variation 3367557 (VCV003367557.1).

ClinVar aggregate classification (germline): Uncertain significance (1 of 4 stars; one submission).

gnomAD v4.1: 1 of 1,613,810 alleles (0.000062%); highest among the groups gnomAD compares: Non-Finnish European, 0.000085%; no homozygotes.

Submission:

GeneDx
Classification: Uncertain significance. Last evaluated: 2024-01-06. Review status: criteria provided, single submitter. Criteria: GeneDx Variant Classification Process June 2021. Collection method: clinical testing. Allele origin: germline. Affected: yes.
Comment: Not observed at significant frequency in large population cohorts (gnomAD); In silico analysis supports that this missense variant has a deleterious effect on protein structure/function; Has not been previously published as pathogenic or benign to our knowledge